The following is an entry in ClinVar:

NM_001408.3(CELSR2):c.7628G>A (p.Arg2543Gln)

Gene: CELSR2 (cadherin EGF LAG seven-pass G-type receptor 2; plus strand). Cytogenetic location: 1p13.3.
Variant type: single nucleotide variant.
Coding change: c.7628G>A on transcript NM_001408.3 (MANE Select); coding-DNA position 7628, G replaced by A.
Protein change: p.Arg2543Gln; replaces arginine 2543 with glutamine.
Molecular consequence: missense variant.
Genome position (GRCh38, 1-based): chr1:109,271,248, G>A. VCF-style: chr1-109271248-G-A. GRCh37 (hg19) VCF-style: chr1-109813870-G-A.
Other names: short protein forms R2543Q.
Identifiers: ClinVar variation 4698178 (VCV004698178.1).

ClinVar aggregate classification (germline): Uncertain significance (1 of 4 stars; one submission).

gnomAD v4.1: 29 of 1,614,022 alleles (0.0018%); highest among the groups gnomAD compares: East Asian, 0.038%; no homozygotes.

Submission:

Labcorp Genetics (formerly Invitae), Labcorp
Classification: Uncertain significance. Last evaluated: 2025-10-14. Review status: criteria provided, single submitter. Criteria: Invitae Variant Classification Sherloc (09022015). Collection method: clinical testing. Allele origin: germline.
Comment: This sequence change replaces arginine, which is basic and polar, with glutamine, which is neutral and polar, at codon 2543 of the CELSR2 protein (p.Arg2543Gln). This variant is present in population databases (rs552465759, gnomAD 0.07%), and has an allele count higher than expected for a pathogenic variant. This variant has not been reported in the literature in individuals affected with CELSR2-related conditions. Invitae Evidence Modeling of protein sequence and biophysical properties (such as structural, functional, and spatial information, amino acid conservation, physicochemical variation, residue mobility, and thermodynamic stability) indicates that this missense variant is not expected to disrupt CELSR2 protein function with a negative predictive value of 80%. In summary, the available evidence is currently insufficient to determine the role of this variant in disease. Therefore, it has been classified as a Variant of Uncertain Significance.